The following is an entry in ClinVar:

ClinVar aggregate classification (germline): Uncertain significance. Review status: criteria provided, multiple submitters, no conflicts (2 of 4 stars). 3 submissions from 3 submitters: Uncertain significance (3). Last evaluated 2025-07-14.

Conditions:
Inborn genetic diseases. Identifiers: MedGen C0950123, MeSH D030342.

Allele frequency attached by ClinVar (database versions not stated): gnomAD exomes 0.00002 and 0.00014; ExAC 0.00003; gnomAD 0.00005 and 0.00006; TOPMed 0.00006; ESP Exome Variant Server 0.00015.
gnomAD v4.1: 202 of 1,612,702 alleles (0.013%); highest among the groups gnomAD compares: Non-Finnish European, 0.017%; no homozygotes.

Submissions (3):

Ambry Genetics
Classification: Uncertain significance for Inborn genetic diseases. Last evaluated: 2025-07-14. Review status: criteria provided, single submitter. Criteria: Ambry Variant Classification Scheme 2023. Collection method: clinical testing. Allele origin: germline.

Labcorp Genetics (formerly Invitae), Labcorp
Classification: Uncertain significance. Last evaluated: 2022-06-04. Review status: criteria provided, single submitter. Criteria: Invitae Variant Classification Sherloc (09022015). Collection method: clinical testing. Allele origin: germline.
Comment: In summary, the available evidence is currently insufficient to determine the role of this variant in disease. Therefore, it has been classified as a Variant of Uncertain Significance. Algorithms developed to predict the effect of missense changes on protein structure and function (SIFT, PolyPhen-2, Align-GVGD) all suggest that this variant is likely to be tolerated. ClinVar contains an entry for this variant (Variation ID: 810067). This variant has not been reported in the literature in individuals affected with RNF216-related conditions. This variant is present in population databases (rs373969635, gnomAD 0.007%). This sequence change replaces histidine, which is basic and polar, with arginine, which is basic and polar, at codon 54 of the RNF216 protein (p.His54Arg).

CeGaT Center for Human Genetics Tuebingen
Classification: Uncertain significance. Last evaluated: 2021-08-01. Review status: criteria provided, single submitter. Criteria: CeGaT Center For Human Genetics Tuebingen Variant Classification Criteria Version 2. Collection method: clinical testing. Allele origin: germline. Affected: yes. Observed: 1 variant allele.

NM_207111.4(RNF216):c.161A>G (p.His54Arg)

Gene: RNF216 (ring finger protein 216; minus strand). Cytogenetic location: 7p22.1.
Variant type: single nucleotide variant.
Coding change: c.161A>G on transcript NM_207111.4 (MANE Select); coding-DNA position 161, A replaced by G.
Protein change: p.His54Arg; replaces histidine 54 with arginine.
Molecular consequence: missense variant.
Genome position (GRCh38, 1-based): chr7:5,752,886, T>C on the plus strand (A>G on the coding strand, the complement: RNF216 is on the minus strand). VCF-style: chr7-5752886-T-C. GRCh37 (hg19) VCF-style: chr7-5792517-T-C.
Other names: c.161A>G (NM_207111.3); c.161A>G, p.His54Arg (NM_207116.3); short protein forms H54R.
Identifiers: ClinVar variation 810067 (VCV000810067.48), dbSNP rs373969635, ClinGen allele CA4148627.
Genomic context (GRCh38, chr7:5,752,886, plus strand): 5'-TAAGTTTAAAGAAAACTCACTTCTGTCAGGATGACATCATCATCCAGGTCCTCTTCTTCA[T>C]GCTGCTGAGGAGCTGGGGTGACCAGCATTGGAATCCTTTCCTCATCTGAGGAGTCAGATA-3'
Protein context (NP_996994.1, residues 44-64): PMLVTPAPQQ[His54Arg]EEEDLDDDVI